The following is an entry in ClinVar:

NM_006506.5(RASA2):c.286C>A (p.Pro96Thr)

Gene: RASA2 (RAS p21 protein activator 2; plus strand). Cytogenetic location: 3q23.
Variant type: single nucleotide variant.
Coding change: c.286C>A on transcript NM_006506.5 (MANE Select); coding-DNA position 286, C replaced by A.
Protein change: p.Pro96Thr; replaces proline 96 with threonine.
Molecular consequence: missense variant.
Genome position (GRCh38, 1-based): chr3:141,516,362, C>A. VCF-style: chr3-141516362-C-A. GRCh37 (hg19) VCF-style: chr3-141235204-C-A.
Other names: c.286C>A, p.Pro96Thr (NM_001303245.3, NM_001303246.3); short protein forms P96T.
Identifiers: ClinVar variation 929180 (VCV000929180.1), dbSNP rs761761007, ClinGen allele CA354780862.

ClinVar aggregate classification (germline): Uncertain significance (1 of 4 stars; one submission).

gnomAD v4.1: 2 of 1,567,566 alleles (0.00013%); highest among the groups gnomAD compares: South Asian, 0.0024%; no homozygotes.

Submission:

Women's Health and Genetics/Laboratory Corporation of America, LabCorp
Classification: Uncertain significance. Last evaluated: 2019-09-25. Review status: criteria provided, single submitter. Criteria: LabCorp Variant Classification Summary - May 2015. Collection method: clinical testing. Allele origin: germline.
Comment: Variant summary: RASA2 c.286C>A (p.Pro96Thr) results in a non-conservative amino acid change located in the C2 domain of the encoded protein sequence. Five of five in-silico tools predict a damaging effect of the variant on protein function. The variant was absent in 228926 control chromosomes (gnomAD). The available data on variant occurrences in the general population are insufficient to allow any conclusion about variant significance. To our knowledge, no occurrence of c.286C>A in individuals affected with Noonan Syndrome and Related Conditions and no experimental evidence demonstrating its impact on protein function have been reported. No clinical diagnostic laboratories have submitted clinical-significance assessments for this variant to ClinVar after 2014. Based on the evidence outlined above, the variant was classified as uncertain significance.